The following is an entry in ClinVar:

NM_017654.4(SAMD9):c.4370C>A (p.Ala1457Asp)

Gene: SAMD9 (sterile alpha motif domain containing 9; minus strand). Cytogenetic location: 7q21.2.
Variant type: single nucleotide variant.
Coding change: c.4370C>A on transcript NM_017654.4 (MANE Select); coding-DNA position 4370, C replaced by A.
Protein change: p.Ala1457Asp; replaces alanine 1457 with aspartic acid.
Molecular consequence: missense variant.
Genome position (GRCh38, 1-based): chr7:93,101,728, G>T on the plus strand (C>A on the coding strand, the complement: SAMD9 is on the minus strand). VCF-style: chr7-93101728-G-T. GRCh37 (hg19) VCF-style: chr7-92731041-G-T.
Other names: c.4370C>A, p.Ala1457Asp (NM_001193307.2); short protein forms A1457D.
Identifiers: ClinVar variation 4802471 (VCV004802471.1).

ClinVar aggregate classification (germline): Uncertain significance (1 of 4 stars; one submission).

Submission:

Labcorp Genetics (formerly Invitae), Labcorp
Classification: Uncertain significance. Last evaluated: 2025-11-16. Review status: criteria provided, single submitter. Criteria: Invitae Variant Classification Sherloc (09022015). Collection method: clinical testing. Allele origin: germline.
Comment: This sequence change replaces alanine, which is neutral and non-polar, with aspartic acid, which is acidic and polar, at codon 1457 of the SAMD9 protein (p.Ala1457Asp). This variant is not present in population databases (gnomAD no frequency). This variant has not been reported in the literature in individuals affected with SAMD9-related conditions. Invitae Evidence Modeling of protein sequence and biophysical properties (such as structural, functional, and spatial information, amino acid conservation, physicochemical variation, residue mobility, and thermodynamic stability) indicates that this missense variant is not expected to disrupt SAMD9 protein function with a negative predictive value of 95%. In summary, the available evidence is currently insufficient to determine the role of this variant in disease. Therefore, it has been classified as a Variant of Uncertain Significance.